The following is an entry in ClinVar:

ClinVar aggregate classification (germline): Pathogenic (1 of 4 stars; one submission).

Conditions:
Hereditary cancer-predisposing syndrome. Also called: Tumor predisposition; Neoplastic Syndromes, Hereditary; Hereditary Cancer Syndrome; Hereditary neoplastic syndrome. Identifiers: Orphanet 140162, MedGen C0027672, MeSH D009386, MONDO:0015356.

Submission:

Ambry Genetics
Classification: Pathogenic for Hereditary cancer-predisposing syndrome. Last evaluated: 2024-10-11. Review status: criteria provided, single submitter. Criteria: Ambry Variant Classification Scheme 2023. Collection method: clinical testing. Allele origin: germline.
Comment: The c.2045dupA pathogenic mutation, located in coding exon 13 of the CDH1 gene, results from a duplication of A at nucleotide position 2045, causing a translational frameshift with a predicted alternate stop codon (p.V683Gfs*5). This variant is considered to be rare based on population cohorts in the Genome Aggregation Database (gnomAD). This alteration is expected to result in loss of function by premature protein truncation or nonsense-mediated mRNA decay. As such, this alteration is interpreted as a disease-causing mutation.

NM_004360.5(CDH1):c.2045dup (p.Val683fs)

Gene: CDH1 (cadherin 1; plus strand). Cytogenetic location: 16q22.1.
Variant type: Duplication.
Coding change: c.2045dup on transcript NM_004360.5 (MANE Select); coding-DNA position 2045, one base duplicated (A; older notation c.2045dupA).
Protein change: p.Val683fs; shifts the reading frame from valine 683.
Molecular consequence: frameshift variant.
Genome position (GRCh38, 1-based): chr16:68,823,507, A duplicated. VCF-style (leftmost placement, unchanged base first): chr16-68823506-G-GA. GRCh37 (hg19) VCF-style: chr16-68857409-G-GA.
Other names: c.1862dup, p.Val622fs (NM_001317184.2); c.497dup, p.Val167fs (NM_001317185.2); c.80dup, p.Val28fs (NM_001317186.2); c.2045dupA (NM_004360.3); short protein forms V28fs, V622fs, V683fs, V167fs.
Identifiers: ClinVar variation 3488644 (VCV003488644.1).